The following is an entry in ClinVar:

ClinVar aggregate classification (germline): Uncertain significance (1 of 4 stars; one submission).

Conditions:
Dilated cardiomyopathy 1R (CMD1R). Identifiers: Orphanet 154, Orphanet 54260, MedGen C3150681, MONDO:0013261, OMIM 613424.
Atrial septal defect 5 (ASD5). Identifiers: Orphanet 1478, MedGen C2748552, MONDO:0013011, OMIM 612794.
Hypertrophic cardiomyopathy 11. Also called: ACTC1-Related Familial Hypertrophic Cardiomyopathy. Identifiers: MedGen C2677506, MONDO:0012799, OMIM 612098.

Submission:

Labcorp Genetics (formerly Invitae), Labcorp
Classification: Uncertain significance for Dilated cardiomyopathy 1R; Hypertrophic cardiomyopathy 11; Atrial septal defect 5. Last evaluated: 2025-07-11. Review status: criteria provided, single submitter. Criteria: Invitae Variant Classification Sherloc (09022015). Collection method: clinical testing. Allele origin: germline.
Comment: This sequence change replaces arginine, which is basic and polar, with histidine, which is basic and polar, at codon 256 of the ACTC1 protein (p.Arg256His). This variant is not present in population databases (gnomAD no frequency). This variant has not been reported in the literature in individuals affected with ACTC1-related conditions. Invitae Evidence Modeling of protein sequence and biophysical properties (such as structural, functional, and spatial information, amino acid conservation, physicochemical variation, residue mobility, and thermodynamic stability) indicates that this missense variant is not expected to disrupt ACTC1 protein function with a negative predictive value of 80%. In summary, the available evidence is currently insufficient to determine the role of this variant in disease. Therefore, it has been classified as a Variant of Uncertain Significance.

NM_005159.5(ACTC1):c.767G>A (p.Arg256His)

Genes: GJD2-DT (GJD2 divergent transcript; plus strand), ACTC1 (actin alpha cardiac muscle 1; minus strand). Cytogenetic location: 15q14.
Variant type: single nucleotide variant.
Coding change: c.767G>A on transcript NM_005159.5 (MANE Select); coding-DNA position 767, G replaced by A.
Protein change: p.Arg256His; replaces arginine 256 with histidine.
Molecular consequence: missense variant.
Genome position (GRCh38, 1-based): chr15:34,792,131, C>T on the plus strand (G>A on the coding strand, the complement: ACTC1 is on the minus strand). VCF-style: chr15-34792131-C-T. GRCh37 (hg19) VCF-style: chr15-35084332-C-T.
Other names: c.767G>A, p.Arg256His (NM_001406482.1, NM_001406483.1); c.632G>A, p.Arg211His (NM_001406484.1); c.326G>A, p.Arg109His (NM_001406485.1); short protein forms R256H, R109H, R211H.
Identifiers: ClinVar variation 4783298 (VCV004783298.1).